The following is an entry in ClinVar:

ClinVar aggregate classification (germline): Uncertain significance. Review status: criteria provided, multiple submitters, no conflicts (2 of 4 stars). 2 submissions from 2 submitters: Uncertain significance (2). Last evaluated 2024-08-05.

Conditions:
Idiopathic generalized epilepsy. Also called: EIG; Generalised epilepsy. Identifiers: MedGen C0270850, MONDO:0005579, OMIM 600669.
Inborn genetic diseases. Identifiers: MedGen C0950123, MeSH D030342.

Allele frequency attached by ClinVar (database versions not stated): ExAC 0.00002; gnomAD exomes 0.00002 and 0.00003; gnomAD 0.00003 and 0.00005; TOPMed 0.00004.
gnomAD v4.1: 49 of 1,613,766 alleles (0.003%); highest among the groups gnomAD compares: Non-Finnish European, 0.004%; no homozygotes.

Submissions (2):

Labcorp Genetics (formerly Invitae), Labcorp
Classification: Uncertain significance for Idiopathic generalized epilepsy. Last evaluated: 2024-08-05. Review status: criteria provided, single submitter. Criteria: Invitae Variant Classification Sherloc (09022015). Collection method: clinical testing. Allele origin: germline.
Comment: This sequence change replaces proline, which is neutral and non-polar, with alanine, which is neutral and non-polar, at codon 22 of the RBFOX1 protein (p.Pro22Ala). This variant is present in population databases (rs760925781, gnomAD 0.005%). This variant has not been reported in the literature in individuals affected with RBFOX1-related conditions. ClinVar contains an entry for this variant (Variation ID: 1431279). An algorithm developed to predict the effect of missense changes on protein structure and function (PolyPhen-2) suggests that this variant is likely to be tolerated. In summary, the available evidence is currently insufficient to determine the role of this variant in disease. Therefore, it has been classified as a Variant of Uncertain Significance.

Ambry Genetics
Classification: Uncertain significance for Inborn genetic diseases. Last evaluated: 2023-03-24. Review status: criteria provided, single submitter. Criteria: Ambry Variant Classification Scheme 2023. Collection method: clinical testing. Allele origin: germline.

NM_145893.3(RBFOX1):c.64C>G (p.Pro22Ala)

Gene: RBFOX1 (RNA binding fox-1 homolog 1; plus strand). Cytogenetic location: 16p13.3.
Variant type: single nucleotide variant.
Coding change: c.64C>G on transcript NM_145893.3 (MANE Plus Clinical); coding-DNA position 64, C replaced by G.
Protein change: p.Pro22Ala; replaces proline 22 with alanine.
Molecular consequence: missense variant. On other transcripts: intron variant (5).
Genome position (GRCh38, 1-based): chr16:7,333,065, C>G. VCF-style: chr16-7333065-C-G. GRCh37 (hg19) VCF-style: chr16-7383066-C-G.
Other names: c.64C>G, p.Pro22Ala (NM_145891.3, NM_145892.3); c.28-185082C>G (NM_001364800.2, NM_018723.4, NM_001142333.2 and 1 more transcripts); c.157-185082C>G (NM_001308117.1); c.64C>G (NM_145891.2); short protein forms P22A.
Identifiers: ClinVar variation 1431279 (VCV001431279.13), dbSNP rs760925781, ClinGen allele CA7891244.